The following is an entry in ClinVar:

NM_025136.4(OPA3):c.87G>T (p.Glu29Asp)

Genes: OPA3 (outer mitochondrial membrane lipid metabolism regulator OPA3; minus strand), OPA3-RTN2 (OPA3-RTN2 readthrough; minus strand). Cytogenetic location: 19q13.32.
Variant type: single nucleotide variant.
Coding change: c.87G>T on transcript NM_025136.4 (MANE Select); coding-DNA position 87, G replaced by T.
Protein change: p.Glu29Asp; replaces glutamic acid 29 with aspartic acid.
Molecular consequence: missense variant.
Genome position (GRCh38, 1-based): chr19:45,584,678, C>A on the plus strand (G>T on the coding strand, the complement: OPA3 is on the minus strand). VCF-style: chr19-45584678-C-A. GRCh37 (hg19) VCF-style: chr19-46087936-C-A.
Other names: c.87G>T, p.Glu29Asp (NM_001017989.3); short protein forms E29D.
Identifiers: ClinVar variation 1435054 (VCV001435054.4), dbSNP rs1194417590, ClinGen allele CA406378496.
Genomic context (GRCh38, chr19:45,584,678, plus strand): 5'-CTCACGTTGAGCCGGCGGGAGGCAGATATAGGTCTTGAAGAACTCGCTTCGGCGGGCGGC[C>A]TCCTTAATACGGTTGGCAAGCGGCTTGCTGACCTGCCGGATGCCCAAGTATAGCAGCTTC-3'
Protein context (NP_079412.1, residues 19-39): VSKPLANRIK[Glu29Asp]AARRSEFFKT

ClinVar aggregate classification (germline): Uncertain significance. Review status: criteria provided, multiple submitters, no conflicts (2 of 4 stars). 2 submissions from 2 submitters: Uncertain significance (2). Last evaluated 2022-07-29.

Conditions:
Optic atrophy 3 (OPA3). Also called: Optic atrophy 3 with cataract; OPTIC ATROPHY 3, AUTOSOMAL DOMINANT; Optic atrophy, cataract, and neurologic disorder. Identifiers: Orphanet 67036, MedGen C1833809, MONDO:0008133, OMIM 165300.
3-Methylglutaconic aciduria type 3 (MGCA3). Also called: OPA3-Related 3-Methylglutaconic Aciduria; Costeff Syndrome; OPA3, AUTOSOMAL RECESSIVE; OPTIC ATROPHY 3, AUTOSOMAL RECESSIVE. Identifiers: Orphanet 67047, MedGen C0574084, MONDO:0009787, OMIM 258501.

gnomAD v4.1: 2 of 1,614,210 alleles (0.00012%); highest among the groups gnomAD compares: South Asian, 0.0022%; no homozygotes.

Submissions (2):

Labcorp Genetics (formerly Invitae), Labcorp
Classification: Uncertain significance for 3-Methylglutaconic aciduria type 3; Optic atrophy 3. Last evaluated: 2022-07-29. Review status: criteria provided, single submitter. Criteria: Invitae Variant Classification Sherloc (09022015). Collection method: clinical testing. Allele origin: germline.
Comment: This sequence change replaces glutamic acid, which is acidic and polar, with aspartic acid, which is acidic and polar, at codon 29 of the OPA3 protein (p.Glu29Asp). This variant is not present in population databases (gnomAD no frequency). This variant has not been reported in the literature in individuals affected with OPA3-related conditions. ClinVar contains an entry for this variant (Variation ID: 1435054). Algorithms developed to predict the effect of missense changes on protein structure and function output the following: SIFT: "Tolerated"; PolyPhen-2: "Benign"; Align-GVGD: "Class C0". The aspartic acid amino acid residue is found in multiple mammalian species, which suggests that this missense change does not adversely affect protein function. In summary, the available evidence is currently insufficient to determine the role of this variant in disease. Therefore, it has been classified as a Variant of Uncertain Significance.

Blueprint Genetics
Classification: Uncertain significance. Last evaluated: 2020-02-29. Review status: criteria provided, single submitter. Criteria: ACMG Guidelines, 2015. Collection method: clinical testing. Allele origin: germline.